The following is an entry in ClinVar:

ClinVar aggregate classification (germline): Uncertain significance (1 of 4 stars; one submission).

Conditions:
Hereditary spastic paraplegia 39 (SPG39). Also called: SPASTIC PARAPLEGIA 39, AUTOSOMAL RECESSIVE; Spastic Paraplegia Type 39 (SPG39). Identifiers: Orphanet 139480, MedGen C2677586, MONDO:0012787, OMIM 612020.

Allele frequency attached by ClinVar (database versions not stated): gnomAD 0.00001; gnomAD exomes 0.00001; ExAC 0.00002; TOPMed 0.00002.
gnomAD v4.1: 17 of 1,613,898 alleles (0.0011%); highest among the groups gnomAD compares: African/African-American, 0.0013%; no homozygotes.

Submission:

Labcorp Genetics (formerly Invitae), Labcorp
Classification: Uncertain significance for Hereditary spastic paraplegia 39. Last evaluated: 2021-12-29. Review status: criteria provided, single submitter. Criteria: Invitae Variant Classification Sherloc (09022015). Collection method: clinical testing. Allele origin: germline.
Comment: This sequence change replaces valine, which is neutral and non-polar, with isoleucine, which is neutral and non-polar, at codon 1214 of the PNPLA6 protein (p.Val1214Ile). This variant is present in population databases (rs753386551, gnomAD 0.004%). This variant has not been reported in the literature in individuals affected with PNPLA6-related conditions. ClinVar contains an entry for this variant (Variation ID: 947976). Algorithms developed to predict the effect of missense changes on protein structure and function output the following: SIFT: "Tolerated"; PolyPhen-2: "Benign"; Align-GVGD: "Class C0". The isoleucine amino acid residue is found in multiple mammalian species, which suggests that this missense change does not adversely affect protein function. In summary, the available evidence is currently insufficient to determine the role of this variant in disease. Therefore, it has been classified as a Variant of Uncertain Significance.

NM_001166114.2(PNPLA6):c.3754G>A (p.Val1252Ile)

Gene: PNPLA6 (patatin like domain 6, lysophospholipase; plus strand). Cytogenetic location: 19p13.2.
Variant type: single nucleotide variant.
Coding change: c.3754G>A on transcript NM_001166114.2 (MANE Select); coding-DNA position 3754, G replaced by A.
Protein change: p.Val1252Ile; replaces valine 1252 with isoleucine.
Molecular consequence: missense variant.
Genome position (GRCh38, 1-based): chr19:7,560,702, G>A. VCF-style: chr19-7560702-G-A. GRCh37 (hg19) VCF-style: chr19-7625588-G-A.
Other names: c.3784G>A, p.Val1262Ile (NM_001166111.2); c.3559G>A, p.Val1187Ile (NM_001166112.2); c.3640G>A, p.Val1214Ile (NM_001166113.1, NM_006702.5); short protein forms V1187I, V1214I, V1252I, V1262I.
Identifiers: ClinVar variation 947976 (VCV000947976.7), dbSNP rs753386551, ClinGen allele CA9140571.
Genomic context (GRCh38, chr19:7,560,702, plus strand): 5'-CCACAGGATGTGGGCTACCAGTACGGGAAGGCGGTGTTTGGAGGCTGGAGCCGTGGCAAC[G>A]TCATTGAGAAAATGCTCACAGACCGGCGGTCTACAGACCTTAATGAGAGCCGCCGTGCAG-3'
Protein context (NP_001159586.1, residues 1242-1262): AVFGGWSRGN[Val1252Ile]IEKMLTDRRS